The following is an entry in ClinVar:

NM_032119.4(ADGRV1):c.6521T>A (p.Val2174Glu)

Gene: ADGRV1 (adhesion G protein-coupled receptor V1; plus strand). Cytogenetic location: 5q14.3.
Variant type: single nucleotide variant.
Coding change: c.6521T>A on transcript NM_032119.4 (MANE Select); coding-DNA position 6521, T replaced by A.
Protein change: p.Val2174Glu; replaces valine 2174 with glutamic acid.
Molecular consequence: missense variant. On other transcripts: non-coding transcript variant (1).
Genome position (GRCh38, 1-based): chr5:90,689,891, T>A. VCF-style: chr5-90689891-T-A. GRCh37 (hg19) VCF-style: chr5-89985708-T-A.
Other names: short protein forms V2174E.
Identifiers: ClinVar variation 1007090 (VCV001007090.8), dbSNP rs368228246, ClinGen allele CA360365838.

ClinVar aggregate classification (germline): Uncertain significance (1 of 4 stars; one submission).

Submission:

Labcorp Genetics (formerly Invitae), Labcorp
Classification: Uncertain significance. Last evaluated: 2020-03-16. Review status: criteria provided, single submitter. Criteria: Invitae Variant Classification Sherloc (09022015). Collection method: clinical testing. Allele origin: germline.
Comment: This sequence change replaces valine with glutamic acid at codon 2174 of the ADGRV1 protein (p.Val2174Glu). The valine residue is highly conserved and there is a moderate physicochemical difference between valine and glutamic acid. This variant is not present in population databases (ExAC no frequency). This variant has not been reported in the literature in individuals with ADGRV1-related conditions. Algorithms developed to predict the effect of missense changes on protein structure and function are either unavailable or do not agree on the potential impact of this missense change (SIFT: "Deleterious"; PolyPhen-2: "Probably Damaging"; Align-GVGD: "Class C0"). In summary, the available evidence is currently insufficient to determine the role of this variant in disease. Therefore, it has been classified as a Variant of Uncertain Significance.